The following is an entry in ClinVar:

ClinVar aggregate classification (germline): Uncertain significance. Review status: criteria provided, multiple submitters, no conflicts (2 of 4 stars). 2 submissions from 2 submitters: Uncertain significance (2). Last evaluated 2021-09-01.

Conditions:
Severe early-onset pulmonary alveolar proteinosis due to MARS deficiency. Also called: PULMONARY ALVEOLAR PROTEINOSIS, REUNION ISLAND; Interstitial lung and liver disease. Identifiers: Orphanet 440427, MedGen C4225400, MONDO:0014206, OMIM 615486.

Allele frequency attached by ClinVar (database versions not stated): ExAC 0.00001; gnomAD exomes 0.00001.

Submissions (2):

Johns Hopkins Genomics, Johns Hopkins University
Classification: Uncertain significance for Severe early-onset pulmonary alveolar proteinosis due to MARS deficiency. Last evaluated: 2021-09-01. Review status: criteria provided, single submitter. Criteria: ACMG Guidelines, 2015. Collection method: clinical testing. Allele origin: germline.

GeneDx
Classification: Uncertain significance. Last evaluated: 2018-02-01. Review status: criteria provided, single submitter. Criteria: GeneDx Variant Classification (06012015). Collection method: clinical testing. Allele origin: germline. Affected: yes.
Comment: The c.1785_1786insTT variant in the MARS gene has not been reported previously as a pathogenic variant nor as a benign variant, to our knowledge. This variant causes a frameshift starting with codon Lysine 596, changes this amino acid to a Leucine residue, and creates a premature Stop codon at position 46 of the new reading frame, denoted p.Lys596LeufsX46. The c.1785_1786insTT variant is predicted to cause loss of normal protein function either through protein truncation or nonsense-mediated mRNA decay. This variant is not observed in large population cohorts (Lek et al., 2016). We interpret c.1785_1786insTT as a variant of uncertain significance.

Literature cited by the submitters: PubMed 24103465 (cited by Johns Hopkins Genomics, Johns Hopkins University).

NM_004990.4(MARS1):c.1785_1786insTT (p.Lys596fs)

Gene: MARS1 (methionyl-tRNA synthetase 1; plus strand). Cytogenetic location: 12q13.3.
Variant type: Insertion.
Coding change: c.1785_1786insTT on transcript NM_004990.4 (MANE Select); coding-DNA positions 1785 to 1786, TT inserted.
Protein change: p.Lys596fs; shifts the reading frame from lysine 596.
Molecular consequence: frameshift variant.
Genome position: GRCh38 VCF-style: chr12-57512781-C-CTT. GRCh37 (hg19) VCF-style: chr12-57906564-C-CTT.
Other names: short protein forms K596fs.
Identifiers: ClinVar variation 504120 (VCV000504120.3), dbSNP rs746023775, ClinGen allele CA658797930.